The following is an entry in ClinVar:

ClinVar aggregate classification (germline): Likely benign. Review status: criteria provided, multiple submitters, no conflicts (2 of 4 stars). 4 submissions from 4 submitters: Likely benign (4). Last evaluated 2023-12-22.

Conditions:
Hypertrophic cardiomyopathy. Also called: HYPERTROPHIC MYOCARDIOPATHY. Identifiers: Orphanet 217569, MedGen C0007194, MeSH D002312, MONDO:0005045, HP:0001639.
Atrial septal defect 5 (ASD5). Identifiers: Orphanet 1478, MedGen C2748552, MONDO:0013011, OMIM 612794.
Dilated cardiomyopathy 1R (CMD1R). Identifiers: Orphanet 154, Orphanet 54260, MedGen C3150681, MONDO:0013261, OMIM 613424.
Hypertrophic cardiomyopathy 11. Also called: ACTC1-Related Familial Hypertrophic Cardiomyopathy. Identifiers: MedGen C2677506, MONDO:0012799, OMIM 612098.
Cardiomyopathy (CMYO). Also called: Cardiomyopathies. Identifiers: Orphanet 167848, MedGen C0878544, MONDO:0004994, HP:0001638. Inheritance: Various modes of inheritance.

Allele frequency attached by ClinVar (database versions not stated): gnomAD exomes below 0.00001; 1000 Genomes Project 30x 0.00031; 1000 Genomes Project 0.00040.
gnomAD v4.1: 3 of 1,613,486 alleles (0.00019%); highest among the groups gnomAD compares: East Asian, 0.0067%; no homozygotes.

Submissions (5):

Labcorp Genetics (formerly Invitae), Labcorp
Classification: Likely benign for Dilated cardiomyopathy 1R; Hypertrophic cardiomyopathy 11; Atrial septal defect 5. Last evaluated: 2023-12-22. Review status: criteria provided, single submitter. Criteria: Invitae Variant Classification Sherloc (09022015). Collection method: clinical testing. Allele origin: germline.

All of Us Research Program, National Institutes of Health
Classification: Likely benign for Hypertrophic cardiomyopathy. Last evaluated: 2023-12-13. Review status: criteria provided, single submitter. Criteria: ACMG Guidelines, 2015. Collection method: clinical testing. Allele origin: germline. Inheritance: Autosomal dominant inheritance. Observed: 2 variant alleles, 2 heterozygotes.
Comment: This study involves interpretation of variants in research participants for the purpose of population health screening. Participant phenotype was not available at the time of variant classification. Additional details can be found in publication PMID: 35346344, PMCID: PMC8962531

Color Diagnostics, LLC DBA Color Health
Classification: Likely benign for Cardiomyopathy. Last evaluated: 2020-02-04. Review status: criteria provided, single submitter. Criteria: ACMG Guidelines, 2015. Collection method: clinical testing. Allele origin: germline.

Breakthrough Genomics
Classification: Likely benign. Review status: criteria provided, single submitter. Criteria: ACMG Guidelines, 2015. Collection method: not provided. Allele origin: germline. Inheritance: Autosomal dominant inheritance. Affected: yes.

Dr. Peter K. Rogan Lab, Western University
No classification provided (evidence only). Condition: Colorectal cancer. Review status: no classification provided. Collection method: in vitro. Allele origin: not applicable. Functional consequence: retained intron. Not counted in ClinVar's aggregate classification.

NM_005159.5(ACTC1):c.75C>T (p.Gly25=)

Genes: GJD2-DT (GJD2 divergent transcript; plus strand), ACTC1 (actin alpha cardiac muscle 1; minus strand). Cytogenetic location: 15q14.
Variant type: single nucleotide variant.
Coding change: c.75C>T on transcript NM_005159.5 (MANE Select); coding-DNA position 75, C replaced by T.
Protein change: p.Gly25=; no amino-acid change (glycine 25 retained).
Molecular consequence: synonymous variant.
Genome position (GRCh38, 1-based): chr15:34,794,734, G>A on the plus strand (C>T on the coding strand, the complement: ACTC1 is on the minus strand). VCF-style: chr15-34794734-G-A. GRCh37 (hg19) VCF-style: chr15-35086935-G-A.
Identifiers: ClinVar variation 924408 (VCV000924408.8), dbSNP rs144819872, ClinGen allele CA268664786.